The following is an entry in ClinVar:

NM_001330588.2(TPP2):c.2924T>C (p.Leu975Ser)

Gene: TPP2 (tripeptidyl peptidase 2; plus strand). Cytogenetic location: 13q33.1.
Variant type: single nucleotide variant.
Coding change: c.2924T>C on transcript NM_001330588.2 (MANE Select); coding-DNA position 2924, T replaced by C.
Protein change: p.Leu975Ser; replaces leucine 975 with serine.
Molecular consequence: missense variant. On other transcripts: non-coding transcript variant (1).
Genome position (GRCh38, 1-based): chr13:102,649,458, T>C. VCF-style: chr13-102649458-T-C. GRCh37 (hg19) VCF-style: chr13-103301808-T-C.
Other names: c.2924T>C, p.Leu975Ser (NM_001367947.1, NM_003291.4); short protein forms L975S.
Identifiers: ClinVar variation 3659041 (VCV003659041.2).
Genomic context (GRCh38, chr13:102,649,458, plus strand): 5'-TCTTGTTTAGAATACCTAAAGGGGCAGGACCTGGATGCTATCTTGCAGGATCCTTAACAT[T>C]GTCAAAGACTGAACTAGGAAAGAAAGCTGTAAGTATTAGTTTTTTAAACACTGAAATTAC-3'
Protein context (NP_001317517.1, residues 965-985): PGCYLAGSLT[Leu975Ser]SKTELGKKAG

ClinVar aggregate classification (germline): Uncertain significance (1 of 4 stars; one submission).

Conditions:
Evans syndrome, immunodeficiency, and premature immunosenescence associated with tripeptidyl-peptidase II deficiency. Identifiers: MedGen CN231723. Disease mechanism: loss of function.

gnomAD v4.1: 1 of 1,612,836 alleles (0.000062%); highest among the groups gnomAD compares: East Asian, 0.0022%; no homozygotes.

Submission:

Labcorp Genetics (formerly Invitae), Labcorp
Classification: Uncertain significance for Evans syndrome, immunodeficiency, and premature immunosenescence associated with tripeptidyl-peptidase II deficiency. Last evaluated: 2024-07-08. Review status: criteria provided, single submitter. Criteria: Invitae Variant Classification Sherloc (09022015). Collection method: clinical testing. Allele origin: germline.
Comment: This sequence change replaces leucine, which is neutral and non-polar, with serine, which is neutral and polar, at codon 975 of the TPP2 protein (p.Leu975Ser). This variant is not present in population databases (gnomAD no frequency). This variant has not been reported in the literature in individuals affected with TPP2-related conditions. An algorithm developed to predict the effect of missense changes on protein structure and function (PolyPhen-2) suggests that this variant is likely to be disruptive. In summary, the available evidence is currently insufficient to determine the role of this variant in disease. Therefore, it has been classified as a Variant of Uncertain Significance.